The following is an entry in ClinVar:

ClinVar aggregate classification (germline): Uncertain significance (1 of 4 stars; one submission).

Conditions:
Hereditary cancer-predisposing syndrome. Also called: Hereditary Cancer Syndrome; Tumor predisposition; Hereditary neoplastic syndrome; Neoplastic Syndromes, Hereditary. Identifiers: Orphanet 140162, MedGen C0027672, MeSH D009386, MONDO:0015356.

Submission:

Ambry Genetics
Classification: Uncertain significance for Hereditary cancer-predisposing syndrome. Last evaluated: 2024-05-10. Review status: criteria provided, single submitter. Criteria: Ambry Variant Classification Scheme 2023. Collection method: clinical testing. Allele origin: germline.
Comment: The p.H421L variant (also known as c.1262A>T), located in coding exon 5 of the AXIN2 gene, results from an A to T substitution at nucleotide position 1262. The histidine at codon 421 is replaced by leucine, an amino acid with similar properties. This amino acid position is conserved. In addition, the in silico prediction for this alteration is inconclusive. Based on the available evidence, the clinical significance of this variant remains unclear.

NM_004655.4(AXIN2):c.1262A>T (p.His421Leu)

Gene: AXIN2 (axin 2; minus strand). Cytogenetic location: 17q24.1.
Variant type: single nucleotide variant.
Coding change: c.1262A>T on transcript NM_004655.4 (MANE Select); coding-DNA position 1262, A replaced by T.
Protein change: p.His421Leu; replaces histidine 421 with leucine.
Molecular consequence: missense variant.
Genome position (GRCh38, 1-based): chr17:65,537,774, T>A on the plus strand (A>T on the coding strand, the complement: AXIN2 is on the minus strand). VCF-style: chr17-65537774-T-A. GRCh37 (hg19) VCF-style: chr17-63533892-T-A.
Other names: c.1262A>T, p.His421Leu (NM_001363813.1); short protein forms H421L.
Identifiers: ClinVar variation 3258119 (VCV003258119.1).